The following is an entry in ClinVar:

NM_025219.3(DNAJC5):c.456C>T (p.Pro152=)

Gene: DNAJC5 (DnaJ heat shock protein family (Hsp40) member C5; plus strand). Cytogenetic location: 20q13.33.
Variant type: single nucleotide variant.
Coding change: c.456C>T on transcript NM_025219.3 (MANE Select); coding-DNA position 456, C replaced by T.
Protein change: p.Pro152=; no amino-acid change (proline 152 retained).
Molecular consequence: synonymous variant.
Genome position (GRCh38, 1-based): chr20:63,930,985, C>T. VCF-style: chr20-63930985-C-T. GRCh37 (hg19) VCF-style: chr20-62562338-C-T.
Other names: p.P152P:CCC>CCT.
Identifiers: ClinVar variation 205368 (VCV000205368.17), dbSNP rs140326040, ClinGen allele CA314377.

ClinVar aggregate classification (germline): Benign/Likely benign. Review status: criteria provided, multiple submitters, no conflicts (2 of 4 stars). 4 submissions from 4 submitters: Benign (2); Likely benign (2). Last evaluated 2026-01-11.

Conditions:
Inborn genetic diseases. Identifiers: MedGen C0950123, MeSH D030342.
Neuronal ceroid lipofuscinosis. Also called: Neuronal Ceroid Lipofuscinoses. Identifiers: Orphanet 216, Orphanet 79263, MedGen C0027877, MONDO:0016295. Disease mechanism: loss of function.

Allele frequency attached by ClinVar (database versions not stated): 1000 Genomes Project 30x 0.00156; 1000 Genomes Project 0.00160; gnomAD exomes 0.00036; ExAC 0.00047; gnomAD 0.00123 and 0.00130; TOPMed 0.00133; ESP Exome Variant Server 0.00146.
gnomAD v4.1: 387 of 1,614,090 alleles (0.024%); highest among the groups gnomAD compares: African/African-American, 0.43%; no homozygotes.

Submissions (4):

Labcorp Genetics (formerly Invitae), Labcorp
Classification: Benign for Neuronal ceroid lipofuscinosis. Last evaluated: 2026-01-11. Review status: criteria provided, single submitter. Criteria: Invitae Variant Classification Sherloc (09022015). Collection method: clinical testing. Allele origin: germline.

Blueprint Genetics
Classification: Likely benign. Last evaluated: 2024-07-11. Review status: criteria provided, single submitter. Criteria: ACMG Guidelines, 2015. Collection method: clinical testing. Allele origin: germline.

Ambry Genetics
Classification: Likely benign for Inborn genetic diseases. Last evaluated: 2016-08-12. Review status: criteria provided, single submitter. Criteria: Ambry Variant Classification Scheme 2023. Collection method: clinical testing. Allele origin: germline.

GeneDx
Classification: Benign. Last evaluated: 2014-07-18. Review status: criteria provided, single submitter. Criteria: GeneDx Variant Classification (06012015). Collection method: clinical testing. Allele origin: germline. Affected: yes.
Comment: This variant is considered likely benign or benign based on one or more of the following criteria: it is a conservative change, it occurs at a poorly conserved position in the protein, it is predicted to be benign by multiple in silico algorithms, and/or has population frequency not consistent with disease.